The following is an entry in ClinVar:

NM_015272.5(RPGRIP1L):c.882+1G>T

Gene: RPGRIP1L (RPGRIP1 like; minus strand). Cytogenetic location: 16q12.2.
Variant type: single nucleotide variant.
Coding change: c.882+1G>T on transcript NM_015272.5 (MANE Select); the canonical splice donor site of the intron after coding-DNA position 882, G replaced by T.
Molecular consequence: splice donor variant.
Genome position (GRCh38, 1-based): chr16:53,675,016, C>A on the plus strand (G>T on the coding strand, the complement: RPGRIP1L is on the minus strand). VCF-style: chr16-53675016-C-A. GRCh37 (hg19) VCF-style: chr16-53708928-C-A.
Other names: c.882+1G>T (NM_001127897.4, NM_001330538.2, NM_001308334.3).
Identifiers: ClinVar variation 3580871 (VCV003580871.2).
Genomic context (GRCh38, chr16:53,675,016, plus strand): 5'-ATACTACTTTTGAATCCTTTGCATCTCTGTAACATTGTAATAAAATAAATTATCACTGTA[C>A]CTCTTGAAGCTGAATAAATTTTCCTTCCATTGCTGAAAGAGCATTGCTTTTCTCTACTAG-3'

ClinVar aggregate classification (germline): Likely pathogenic. Review status: criteria provided, multiple submitters, no conflicts (2 of 4 stars). 2 submissions from 2 submitters: Likely pathogenic (2). Last evaluated 2025-10-29.

Conditions:
Joubert syndrome. Also called: CEREBELLOPARENCHYMAL DISORDER IV; JOUBERT-BOLTSHAUSER SYNDROME; Familial aplasia of the vermis. Identifiers: Orphanet 475, MedGen C5979921, MONDO:0018772.
Meckel-Gruber syndrome. Also called: DYSENCEPHALIA SPLANCHNOCYSTICA; GRUBER SYNDROME; Dysencephalia splachnocystica. Identifiers: Orphanet 564, MedGen C0265215, MONDO:0018921.
Meckel syndrome, type 5 (MKS5). Identifiers: Orphanet 564, MedGen C1969052, MONDO:0012695, OMIM 611561.
COACH syndrome 3. Identifiers: MedGen C5436841, MONDO:0030862, OMIM 619113.
Joubert syndrome 7 (JBTS7). Identifiers: Orphanet 220497, MedGen C1969053, MONDO:0012694, OMIM 611560.

Submissions (2):

Labcorp Genetics (formerly Invitae), Labcorp
Classification: Likely pathogenic for Joubert syndrome; Meckel-Gruber syndrome. Last evaluated: 2025-10-29. Review status: criteria provided, single submitter. Criteria: Invitae Variant Classification Sherloc (09022015). Collection method: clinical testing. Allele origin: germline.
Comment: This sequence change affects a donor splice site in intron 7 of the RPGRIP1L gene. It is expected to disrupt RNA splicing. Variants that disrupt the donor or acceptor splice site typically lead to a loss of protein function (PMID: 16199547), and loss-of-function variants in RPGRIP1L are known to be pathogenic (PMID: 17558409). This variant is not present in population databases (gnomAD no frequency). This variant has not been reported in the literature in individuals affected with RPGRIP1L-related conditions. ClinVar contains an entry for this variant (Variation ID: 3580871). Algorithms developed to predict the effect of sequence changes on RNA splicing suggest that this variant may disrupt the consensus splice site. In summary, the currently available evidence indicates that the variant is pathogenic, but additional data are needed to prove that conclusively. Therefore, this variant has been classified as Likely Pathogenic.

Fulgent Genetics
Classification: Likely pathogenic for Joubert syndrome 7; Meckel syndrome, type 5; COACH syndrome 3. Last evaluated: 2024-05-17. Review status: criteria provided, single submitter. Criteria: ACMG Guidelines, 2015. Collection method: clinical testing. Allele origin: germline.

Literature cited by the submitters: PubMed 16199547 (cited by Labcorp Genetics (formerly Invitae), Labcorp); PubMed 17558409 (cited by Labcorp Genetics (formerly Invitae), Labcorp).